The following is an entry in ClinVar:

NM_004177.5(STX3):c.438del (p.Arg148fs)

Gene: STX3 (syntaxin 3; plus strand). Cytogenetic location: 11q12.1.
Variant type: Deletion.
Coding change: c.438del on transcript NM_004177.5 (MANE Select); coding-DNA position 438, one base deleted (A; older notation c.438delA).
Protein change: p.Arg148fs; shifts the reading frame from arginine 148.
Molecular consequence: frameshift variant.
Genome position (GRCh38, 1-based): chr11:59,792,187, A deleted; the last of 3 consecutive A bases (chr11:59,792,185-59,792,187); deleting any one gives the same sequence. VCF-style (leftmost placement, unchanged base first): chr11-59792184-CA-C. GRCh37 (hg19) VCF-style: chr11-59559657-CA-C.
Other names: c.438del, p.Arg148fs (NM_001178040.3, NM_001440522.1, NM_001440523.1 and 6 more transcripts); c.432del, p.Arg146fs (NM_001440528.1); c.417del, p.Arg141fs (NM_001440530.1); short protein forms R146fs, R141fs, R148fs.
Identifiers: ClinVar variation 4730894 (VCV004730894.1).

ClinVar aggregate classification (germline): Pathogenic (1 of 4 stars; one submission).

Submission:

Labcorp Genetics (formerly Invitae), Labcorp
Classification: Pathogenic. Last evaluated: 2025-11-10. Review status: criteria provided, single submitter. Criteria: Invitae Variant Classification Sherloc (09022015). Collection method: clinical testing. Allele origin: germline.
Comment: This sequence change creates a premature translational stop signal (p.Arg148Glufs*55) in the STX3 gene. It is expected to result in an absent or disrupted protein product. Loss-of-function variants in STX3 are known to be pathogenic (PMID: 24726755). This variant is not present in population databases (gnomAD no frequency). This variant has not been reported in the literature in individuals affected with STX3-related conditions. For these reasons, this variant has been classified as Pathogenic.

Literature cited by the submitters: PubMed 24726755.